The following is an entry in ClinVar:

ClinVar aggregate classification (germline): Conflicting classifications of pathogenicity. Review status: criteria provided, conflicting classifications (1 of 4 stars). 3 submissions from 3 submitters: Likely pathogenic (1); Uncertain significance (1). 1 of the submissions does not count toward it. Last evaluated 2023-06-13.

Conditions:
TRIM37-related disorder. Also called: TRIM37-related condition.
Mulibrey nanism syndrome. Also called: MUSCLE-LIVER-BRAIN-EYE NANISM; PERHEENTUPA SYNDROME; PERICARDIAL CONSTRICTION AND GROWTH FAILURE. Identifiers: Orphanet 2576, MedGen C0524582, MONDO:0009664, OMIM 253250.

Allele frequency attached by ClinVar (database versions not stated): gnomAD exomes below 0.00001 and 0.00001.
gnomAD v4.1: 2 of 1,613,914 alleles (0.00012%); no homozygotes.

Submissions (3):

PreventionGenetics, part of Exact Sciences
Classification: Uncertain significance for TRIM37-related condition. Last evaluated: 2023-06-13. Review status: criteria provided, single submitter. Criteria: ACMG Guidelines, 2015. Collection method: clinical testing. Allele origin: germline.
Comment: The TRIM37 c.227T>C variant is predicted to result in the amino acid substitution p.Leu76Pro. This variant has been reported along with a second TRIM37 variant in an individual with mulibrey nanism (Kallijärvi et al. 2005. PubMed ID: 15885686). Experimental studies suggest this variant impacts protein function (Kallijärvi et al. 2005. PubMed ID: 15885686). This variant is reported in 2 of ~251,000 alleles in gnomAD. It is interpreted as likely pathogenic in ClinVar. Although we suspect that this variant may be pathogenic, at this time, the clinical significance of this variant is uncertain due to the absence of conclusive functional and genetic evidence.

Baylor Genetics
Classification: Likely pathogenic for Mulibrey nanism syndrome. Last evaluated: 2023-05-10. Review status: criteria provided, single submitter. Criteria: ACMG Guidelines, 2015. Collection method: clinical testing. Allele origin: unknown.

Juha Muilu Group; Institute for Molecular Medicine Finland (FIMM)
Classification: Likely pathogenic for Mulibrey nanism syndrome. Review status: no assertion criteria provided. Collection method: not provided. Allele origin: unknown. Not counted in ClinVar's aggregate classification.
Comment: FinDis database variant: This variant was not found or characterized by our laboratory, data were collected from public sources: see reference
ClinVar note: Converted during submission from probable-pathogenic to Likely pathogenic.

NM_015294.6(TRIM37):c.227T>C (p.Leu76Pro)

Gene: TRIM37 (tripartite motif containing 37; minus strand). Cytogenetic location: 17q22.
Variant type: single nucleotide variant.
Coding change: c.227T>C on transcript NM_015294.6 (MANE Select); coding-DNA position 227, T replaced by C.
Protein change: p.Leu76Pro; replaces leucine 76 with proline.
Molecular consequence: missense variant. On other transcripts: 5 prime UTR variant (3), non-coding transcript variant (2).
Genome position (GRCh38, 1-based): chr17:59,088,345, A>G on the plus strand (T>C on the coding strand, the complement: TRIM37 is on the minus strand). VCF-style: chr17-59088345-A-G. GRCh37 (hg19) VCF-style: chr17-57165706-A-G.
Other names: c.227T>C, p.Leu76Pro (NM_001005207.5, NM_001320988.3, NM_001320989.3 and 2 more transcripts); c.125T>C, p.Leu42Pro (NM_001320987.3, NM_001353082.2); c.-140T>C (NM_001320990.3); c.-526T>C (NM_001353083.2); c.-148T>C (NM_001353085.2); c.227T>C (NM_015294.4); short protein forms L76P, L42P.
Identifiers: ClinVar variation 56569 (VCV000056569.4), dbSNP rs386834004, ClinGen allele CA144376.